The following is an entry in ClinVar:

ClinVar aggregate classification (germline): Uncertain significance. Review status: criteria provided, multiple submitters, no conflicts (2 of 4 stars). 2 submissions from 2 submitters: Uncertain significance (2). Last evaluated 2025-09-04.

Conditions:
Early-infantile DEE. Also called: Ohtahara syndrome; Early infantile epileptic encephalopathy; Early infantile epileptic encephalopathy with suppression bursts. Identifiers: Orphanet 1934, MedGen C0393706, MONDO:0800491.

Allele frequency attached by ClinVar (database versions not stated): gnomAD exomes below 0.00001; TOPMed 0.00001; gnomAD 0.00001.
gnomAD v4.1: 2 of 1,614,044 alleles (0.00012%); highest among the groups gnomAD compares: Non-Finnish European, 0.00017%; no homozygotes.

Submissions (2):

GeneDx
Classification: Uncertain significance. Last evaluated: 2025-09-04. Review status: criteria provided, single submitter. Criteria: GeneDx Variant Classification Process June 2021. Collection method: clinical testing. Allele origin: germline.
Comment: Not observed at significant frequency in large population cohorts (gnomAD); In silico analysis suggests that this missense variant does not alter protein structure/function; Has not been previously published as pathogenic or benign to our knowledge

Labcorp Genetics (formerly Invitae), Labcorp
Classification: Uncertain significance for Early-infantile DEE. Last evaluated: 2023-10-22. Review status: criteria provided, single submitter. Criteria: Invitae Variant Classification Sherloc (09022015). Collection method: clinical testing. Allele origin: germline.
Comment: This sequence change replaces threonine, which is neutral and polar, with alanine, which is neutral and non-polar, at codon 196 of the SPTAN1 protein (p.Thr196Ala). This variant is not present in population databases (gnomAD no frequency). This variant has not been reported in the literature in individuals affected with SPTAN1-related conditions. ClinVar contains an entry for this variant (Variation ID: 1021073). Advanced modeling of protein sequence and biophysical properties (such as structural, functional, and spatial information, amino acid conservation, physicochemical variation, residue mobility, and thermodynamic stability) has been performed at Invitae for this missense variant, however the output from this modeling did not meet the statistical confidence thresholds required to predict the impact of this variant on SPTAN1 protein function. In summary, the available evidence is currently insufficient to determine the role of this variant in disease. Therefore, it has been classified as a Variant of Uncertain Significance.

NM_001130438.3(SPTAN1):c.586A>G (p.Thr196Ala)

Gene: SPTAN1 (spectrin alpha, non-erythrocytic 1; plus strand). Cytogenetic location: 9q34.11.
Variant type: single nucleotide variant.
Coding change: c.586A>G on transcript NM_001130438.3 (MANE Select); coding-DNA position 586, A replaced by G.
Protein change: p.Thr196Ala; replaces threonine 196 with alanine.
Molecular consequence: missense variant.
Genome position (GRCh38, 1-based): chr9:128,575,280, A>G. VCF-style: chr9-128575280-A-G. GRCh37 (hg19) VCF-style: chr9-131337559-A-G.
Other names: c.586A>G (NM_001130438.2); c.586A>G, p.Thr196Ala (NM_001195532.2, NM_001363759.2, NM_001363765.2 and 5 more transcripts); c.622A>G, p.Thr208Ala (NM_001375312.2, NM_001375318.1); short protein forms T196A, T208A.
Identifiers: ClinVar variation 1021073 (VCV001021073.11), dbSNP rs940919276, ClinGen allele CA200430468.